The following is an entry in ClinVar:

ClinVar aggregate classification (germline): Benign/Likely benign. Review status: criteria provided, multiple submitters, no conflicts (2 of 4 stars). 5 submissions from 5 submitters: Benign (1); Likely benign (3). 1 of the submissions does not count toward it. Last evaluated 2025-12-15.

Conditions:
Inborn genetic diseases. Identifiers: MedGen C0950123, MeSH D030342.
ARID1B-Related Disorder. Identifiers: MedGen CN381337.

Submissions (5):

Labcorp Genetics (formerly Invitae), Labcorp
Classification: Likely benign. Last evaluated: 2025-12-15. Review status: criteria provided, single submitter. Criteria: Invitae Variant Classification Sherloc (09022015). Collection method: clinical testing. Allele origin: germline.

Blueprint Genetics
Classification: Likely benign. Last evaluated: 2024-10-29. Review status: criteria provided, single submitter. Criteria: ACMG Guidelines, 2015. Collection method: clinical testing. Allele origin: germline.

GeneDx
Classification: Likely benign. Last evaluated: 2020-03-15. Review status: criteria provided, single submitter. Criteria: GeneDx Variant Classification Process June 2021. Collection method: clinical testing. Allele origin: germline. Affected: yes.

Ambry Genetics
Classification: Benign for Inborn genetic diseases. Last evaluated: 2018-04-03. Review status: criteria provided, single submitter. Criteria: Ambry Variant Classification Scheme 2023. Collection method: clinical testing. Allele origin: germline.

PreventionGenetics, part of Exact Sciences
Classification: Benign for ARID1B-related condition. Last evaluated: 2021-08-19. Review status: no assertion criteria provided. Collection method: clinical testing. Allele origin: germline. Not counted in ClinVar's aggregate classification.
Comment: This variant is classified as benign based on ACMG/AMP sequence variant interpretation guidelines (Richards et al. 2015 PMID: 25741868, with internal and published modifications).

NM_001374828.1(ARID1B):c.501CCA[4] (p.His172del)

Genes: ARID1B (AT-rich interaction domain 1B; plus strand), LOC115308161 (uncharacterized LOC115308161; minus strand). Cytogenetic location: 6q25.3.
Variant type: Microsatellite.
Coding change: c.501CCA[4] on transcript NM_001374828.1 (MANE Select); four copies in a row of the 3-base unit CCA starting at c.501; the reference has five copies in a row; one copy, 3 bases deleted.
Protein change: p.His172del; deletes histidine 172.
Molecular consequence: inframe deletion.
Genome position (GRCh38, 1-based): chr6:156,778,193-156,778,195, CCA deleted; deleting any 3 consecutive bases within chr6:156,778,179-156,778,195 gives the same sequence; the position shown is the placement nearest the transcript's 3' end. VCF-style (leftmost placement, unchanged base first): chr6-156778178-GCAC-G. GRCh37 (hg19) VCF-style: chr6-157099312-GCAC-G.
Other names: c.264_266delCCA (NM_020732.3); c.250_252delCAC (NM_020732.3); c.501CCA[4], p.His172del (NM_001371656.1, NM_001374820.1, NM_017519.3); short protein forms H172del.
Identifiers: ClinVar variation 588419 (VCV000588419.16), dbSNP rs752012879, ClinGen allele CA4066629.